The following is an entry in ClinVar:

NM_001134363.3(RBM20):c.2324_2358del (p.Gln775fs)

Gene: RBM20 (RNA binding motif protein 20; plus strand). Cytogenetic location: 10q25.2.
Variant type: Deletion.
Coding change: c.2324_2358del on transcript NM_001134363.3 (MANE Select); coding-DNA positions 2324 to 2358, 35 bases deleted.
Protein change: p.Gln775fs; shifts the reading frame from glutamine 775.
Molecular consequence: frameshift variant.
Genome position (GRCh38, 1-based): chr10:110,812,721-110,812,755, 35 bases deleted; deleting any 35 consecutive bases within chr10:110,812,720-110,812,755 gives the same sequence; the c. name uses the placement nearest the transcript's 3' end. GRCh37 (hg19): chr10:112,572,479-112,572,513.
Other names: c.2324_2358del (LRG_382t1); short protein forms Q775fs.
Identifiers: ClinVar variation 518696 (VCV000518696.5), dbSNP rs1554842773, ClinGen allele CA658797538.

ClinVar aggregate classification (germline): Uncertain significance (1 of 4 stars; one submission).

Conditions:
Cardiovascular phenotype. Identifiers: MedGen CN230736.

Submission:

Ambry Genetics
Classification: Uncertain significance for Cardiovascular phenotype. Last evaluated: 2017-07-26. Review status: criteria provided, single submitter. Criteria: Ambry Variant Classification Scheme 2023. Collection method: clinical testing. Allele origin: germline.
Comment: The c.2324_2358del35 variant, located in coding exon 9 of the RBM20 gene, results from a deletion of 35 nucleotides at nucleotide positions 2324 to 2358, causing a translational frameshift with a predicted alternate stop codon (p.Q775Rfs*14). This alteration is expected to result in loss of function by premature protein truncation or nonsense-mediated mRNA decay. However, loss of function of RBM20 has not been clearly established as a mechanism of disease. Since supporting evidence is limited at this time, the clinical significance of this alteration remains unclear.